The following is an entry in ClinVar:

NM_003000.3(SDHB):c.289A>G (p.Ile97Val)

Gene: SDHB (succinate dehydrogenase complex iron sulfur subunit B; minus strand). Cytogenetic location: 1p36.13.
Variant type: single nucleotide variant.
Coding change: c.289A>G on transcript NM_003000.3 (MANE Select); coding-DNA position 289, A replaced by G.
Protein change: p.Ile97Val; replaces isoleucine 97 with valine.
Molecular consequence: missense variant.
Genome position (GRCh38, 1-based): chr1:17,028,734, T>C on the plus strand (A>G on the coding strand, the complement: SDHB is on the minus strand). VCF-style: chr1-17028734-T-C. GRCh37 (hg19) VCF-style: chr1-17355229-T-C.
Other names: c.289A>G, p.Ile97Val (NM_001407361.1); short protein forms I97V.
Identifiers: ClinVar variation 4757129 (VCV004757129.2).

ClinVar aggregate classification (germline): Uncertain significance. Review status: criteria provided, multiple submitters, no conflicts (2 of 4 stars). 2 submissions from 2 submitters: Uncertain significance (2). Last evaluated 2025-12-09.

Conditions:
Hereditary pheochromocytoma and paraganglioma. Also called: Hereditary pheochromocytoma-paraganglioma; Hereditary Paraganglioma-Pheochromocytoma Syndromes; Hereditary paragangliomas and pheochromocytomas. Identifiers: Orphanet 29072, MedGen C4274332, MONDO:0017366.
Pheochromocytoma. Also called: MAX-Related Hereditary Paraganglioma-Pheochromocytoma Syndrome. Identifiers: Orphanet 29072, MedGen C0031511, MONDO:0008233, OMIM 171300, HP:0002666.
Gastrointestinal stromal tumor. Also called: Gastrointestinal stroma tumor; Gastrointestinal stromal tumor, somatic. Identifiers: Orphanet 44890, MedGen C0238198, MeSH D046152, MONDO:0011719, OMIM 606764, HP:0100723.
Pheochromocytoma/paraganglioma syndrome 4. Also called: CAROTID BODY TUMORS AND MULTIPLE EXTRAADRENAL PHEOCHROMOCYTOMAS; PARAGANGLIOMA, FAMILIAL MALIGNANT; PARAGANGLIOMAS, HEREDITARY EXTRAADRENAL; PHEOCHROMOCYTOMA, FAMILIAL EXTRAADRENAL; Paragangliomas 4; SDHB-Related Hereditary Paraganglioma-Pheochromocytoma Syndrome (Paragangliomas 4). Identifiers: Orphanet 29072, MedGen C1861848, MONDO:0007273, OMIM 115310.

gnomAD v4.1: 1 of 1,614,066 alleles (0.000062%); highest among the groups gnomAD compares: Non-Finnish European, 0.000085%; no homozygotes.

Submissions (2):

Labcorp Genetics (formerly Invitae), Labcorp
Classification: Uncertain significance for Gastrointestinal stromal tumor; Pheochromocytoma/paraganglioma syndrome 4; Pheochromocytoma. Last evaluated: 2025-12-09. Review status: criteria provided, single submitter. Criteria: Invitae Variant Classification Sherloc (09022015). Collection method: clinical testing. Allele origin: germline.
Comment: This sequence change replaces isoleucine, which is neutral and non-polar, with valine, which is neutral and non-polar, at codon 97 of the SDHB protein (p.Ile97Val). This variant is not present in population databases (gnomAD no frequency). This variant has not been reported in the literature in individuals affected with SDHB-related conditions. An algorithm developed to predict the effect of missense changes on protein structure and function (PolyPhen-2) suggests that this variant is likely to be disruptive. This variant disrupts the p.Ile97 amino acid residue in SDHB. Other variant(s) that disrupt this residue have been determined to be pathogenic (PMID: 34906457). This suggests that this residue is clinically significant, and that variants that disrupt this residue are likely to be disease-causing. In summary, the available evidence is currently insufficient to determine the role of this variant in disease. Therefore, it has been classified as a Variant of Uncertain Significance.

Color Diagnostics, LLC DBA Color Health
Classification: Uncertain significance for Hereditary pheochromocytoma and paraganglioma. Last evaluated: 2025-06-23. Review status: criteria provided, single submitter. Criteria: ACMG Guidelines, 2015. Collection method: clinical testing. Allele origin: germline.
Comment: This missense variant replaces isoleucine with valine at codon 97 of the SDHB protein. Computational prediction is inconclusive regarding the impact of this variant on protein structure and function. To our knowledge, functional studies have not been reported for this variant. This variant has not been reported in individuals affected with SDHB-related disorders in the literature. This variant has not been identified in the general population by the Genome Aggregation Database (gnomAD). The available evidence is insufficient to determine the role of this variant in disease conclusively. Therefore, this variant is classified as a Variant of Uncertain Significance.

Literature cited by the submitters: PubMed 34906457 (cited by Labcorp Genetics (formerly Invitae), Labcorp).